The following is an entry in ClinVar:

ClinVar aggregate classification (germline): Benign (1 of 4 stars; one submission).

Conditions:
Occult macular dystrophy (OCMD). Also called: OCCULT MACULAR DYSTROPHY, SUSCEPTIBILITY TO; OMD. Identifiers: Orphanet 247834, MedGen C3150833, MONDO:0013316, OMIM 613587, HP:0030636.

Allele frequency attached by ClinVar (database versions not stated): gnomAD 0.00195; 1000 Genomes Project 0.00459.

Submission:

Illumina Laboratory Services, Illumina
Classification: Benign for Occult macular dystrophy. Last evaluated: 2018-01-13. Review status: criteria provided, single submitter. Criteria: ICSL Variant Classification Criteria 13 December 2019. Collection method: clinical testing. Allele origin: germline.
Comment: This variant was observed in the ICSL laboratory as part of a predisposition screen in an ostensibly healthy population. It had not been previously curated by ICSL or reported in the Human Gene Mutation Database (HGMD: prior to June 1st, 2018), and was therefore a candidate for classification through an automated scoring system. Utilizing variant allele frequency, disease prevalence and penetrance estimates, and inheritance mode, an automated score was calculated to assess if this variant is too frequent to cause the disease. Based on the score and internal cut-off values, a variant classified as benign is not then subjected to further curation. The score for this variant resulted in a classification of benign for this disease.

NM_178857.6(RP1L1):c.5577T>G (p.Asp1859Glu)

Gene: RP1L1 (RP1 like 1). Cytogenetic location: 8p23.1.
Variant type: single nucleotide variant.
Coding change: c.5577T>G on transcript NM_178857.6 (MANE Select); coding-DNA position 5577, T replaced by G.
Protein change: p.Asp1859Glu; replaces aspartic acid 1859 with glutamic acid.
Molecular consequence: missense variant.
Genome position (GRCh38, 1-based): chr8:10,608,521, A>C on the plus strand (T>G on the coding strand, the complement: RP1L1 is on the minus strand). VCF-style: chr8-10608521-A-C. GRCh37 (hg19) VCF-style: chr8-10466031-A-C.
Other names: short protein forms D1859E.
Identifiers: ClinVar variation 912284 (VCV000912284.4), dbSNP rs527932965, ClinGen allele CA171940751.